The following is an entry in ClinVar:

NM_000179.3(MSH6):c.102C>A (p.Ala34=)

Gene: MSH6 (mutS homolog 6; plus strand). Cytogenetic location: 2p16.3.
Variant type: single nucleotide variant.
Coding change: c.102C>A on transcript NM_000179.3 (MANE Select); coding-DNA position 102, C replaced by A.
Protein change: p.Ala34=; no amino-acid change (alanine 34 retained).
Molecular consequence: synonymous variant. On other transcripts: 5 prime UTR variant (1).
Genome position (GRCh38, 1-based): chr2:47,783,335, C>A. VCF-style: chr2-47783335-C-A. GRCh37 (hg19) VCF-style: chr2-48010474-C-A.
Other names: c.102C>A, p.Ala34= (NM_001281492.2); c.-635C>A (NM_001281493.2).
Identifiers: ClinVar variation 183756 (VCV000183756.28), dbSNP rs201132087, ClinGen allele CA007830.
Genomic context (GRCh38, chr2:47,783,335, plus strand): 5'-TCCGGCGCTGAGTGATGCCAACAAGGCCTCGGCCAGGGCCTCACGCGAAGGCGGCCGTGC[C>A]GCCGCTGCCCCCGGGGCCTCTCCTTCCCCAGGCGGGGATGCGGCCTGGAGCGAGGCTGGG-3'
Protein context (NP_000170.1, residues 24-44): SARASREGGR[Ala34=]AAAPGASPSP

ClinVar aggregate classification (germline): Benign/Likely benign. Review status: criteria provided, multiple submitters, no conflicts (2 of 4 stars). 11 submissions from 11 submitters: Benign (6); Likely benign (4). 1 of the submissions does not count toward it. Last evaluated 2026-02-03.

Conditions:
MSH6-related disorder. Also called: MSH6-related condition; MSH6-Related disorders.
Hereditary nonpolyposis colorectal neoplasms. Identifiers: MedGen C0009405, MeSH D003123.
Hereditary cancer-predisposing syndrome. Also called: Neoplastic Syndromes, Hereditary; Tumor predisposition; Hereditary neoplastic syndrome; Hereditary Cancer Syndrome. Identifiers: Orphanet 140162, MedGen C0027672, MeSH D009386, MONDO:0015356.
Lynch syndrome. Identifiers: Orphanet 144, MedGen C4552100, MONDO:0005835. Disease mechanism: loss of function.
Lynch syndrome 5 (LYNCH5). Also called: Colorectal cancer, hereditary nonpolyposis, type 5; Hereditary non-polyposis colorectal cancer, type 5. Identifiers: Orphanet 144, MedGen C1833477, MONDO:0013710, OMIM 614350. Disease mechanism: loss of function.
Carcinoma of colon (CRC). Also called: Colonic carcinoma; Colon carcinoma. Identifiers: MedGen C0699790, MONDO:0002032.

Allele frequency attached by ClinVar (database versions not stated): TOPMed 0.00009; gnomAD 0.00013; ExAC 0.00017; 1000 Genomes Project 0.00020; 1000 Genomes Project 30x 0.00031.
gnomAD v4.1: 46 of 1,610,664 alleles (0.0029%); highest among the groups gnomAD compares: East Asian, 0.1%; no homozygotes.

Submissions (11):

Labcorp Genetics (formerly Invitae), Labcorp
Classification: Benign for Hereditary nonpolyposis colorectal neoplasms. Last evaluated: 2026-02-03. Review status: criteria provided, single submitter. Criteria: Invitae Variant Classification Sherloc (09022015). Collection method: clinical testing. Allele origin: germline.

Myriad Genetics, Inc.
Classification: Benign for Lynch syndrome 5. Last evaluated: 2024-12-17. Review status: criteria provided, single submitter. Criteria: Myriad Autosomal Dominant, Autosomal Recessive and X-Linked Classification Criteria (2023). Collection method: clinical testing. Allele origin: unknown.
Comment: This variant is considered benign. This variant is a silent/synonymous amino acid change and it is not expected to impact splicing.

PreventionGenetics, part of Exact Sciences
Classification: Likely benign for MSH6-related condition. Last evaluated: 2024-11-24. Review status: criteria provided, single submitter. Criteria: ACMG Guidelines, 2015. Collection method: clinical testing. Allele origin: germline.
Comment: This variant is classified as likely benign based on ACMG/AMP sequence variant interpretation guidelines (Richards et al. 2015 PMID: 25741868, with internal and published modifications).

All of Us Research Program, National Institutes of Health
Classification: Likely benign for Lynch syndrome. Last evaluated: 2023-12-01. Review status: criteria provided, single submitter. Criteria: ACMG Guidelines, 2015. Collection method: clinical testing. Allele origin: germline. Inheritance: Autosomal dominant inheritance. Observed: 10 variant alleles, 10 heterozygotes.
Comment: This study involves interpretation of variants in research participants for the purpose of population health screening. Participant phenotype was not available at the time of variant classification. Additional details can be found in publication PMID: 35346344, PMCID: PMC8962531

Quest Diagnostics Nichols Institute San Juan Capistrano
Classification: Benign. Last evaluated: 2022-11-23. Review status: criteria provided, single submitter. Criteria: Quest Diagnostics criteria. Collection method: clinical testing. Allele origin: unknown.

Sema4
Classification: Benign for Hereditary cancer-predisposing syndrome. Last evaluated: 2021-09-25. Review status: criteria provided, single submitter. Criteria: Sema4 Curation Guidelines. Collection method: curation. Allele origin: germline.

Women's Health and Genetics/Laboratory Corporation of America, LabCorp
Classification: Benign. Last evaluated: 2019-04-22. Review status: criteria provided, single submitter. Criteria: LabCorp Variant Classification Summary - May 2015. Collection method: clinical testing. Allele origin: germline.
Comment: Variant summary: MSH6 c.102C>A alters a non-conserved nucleotide resulting in a synonymous change. 5/5 computational tools predict no significant impact on normal splicing. However, these predictions have yet to be confirmed by functional studies. The variant allele was found at a frequency of 0.00019 in 235824 control chromosomes, predominantly at a frequency of 0.0026 within the East Asian subpopulation in the gnomAD database. The observed variant frequency within East Asian control individuals in the gnomAD database is approximately 18 fold of the estimated maximal expected allele frequency for a pathogenic variant in MSH6 causing Hereditary Non-Polyposis Colon Cancer phenotype (0.00014), strongly suggesting that the variant is a benign polymorphism found primarily in populations of East Asian origin. To our knowledge, no occurrence of c.102C>A in individuals affected with Hereditary Non-Polyposis Colon Cancer and no experimental evidence demonstrating its impact on protein function have been reported. Four clinical diagnostic laboratories have submitted clinical-significance assessments for this variant to ClinVar after 2014 without evidence for independent evaluation (2xbenign, 2xlikely benign). Based on the evidence outlined above, the variant was classified as benign.

Color Diagnostics, LLC DBA Color Health
Classification: Likely benign for Hereditary cancer-predisposing syndrome. Last evaluated: 2016-04-17. Review status: criteria provided, single submitter. Criteria: ACMG Guidelines, 2015. Collection method: clinical testing. Allele origin: germline.

Ambry Genetics
Classification: Likely benign for Hereditary cancer-predisposing syndrome. Last evaluated: 2015-11-22. Review status: criteria provided, single submitter. Criteria: Ambry Variant Classification Scheme 2023. Collection method: clinical testing. Allele origin: germline.

GeneDx
Classification: Benign. Last evaluated: 2015-03-03. Review status: criteria provided, single submitter. Criteria: GeneDx Variant Classification Process June 2021. Collection method: clinical testing. Allele origin: germline. Affected: yes.

Department of Pathology and Laboratory Medicine, Sinai Health System
Classification: Likely benign for Carcinoma of colon. Review status: no assertion criteria provided. Collection method: clinical testing. Allele origin: unknown. Affected: yes. Study: The Canadian Open Genetics Repository (COGR). Not counted in ClinVar's aggregate classification.
Comment: The MSH6 p.Ala34= variant was not identified in the literature nor was it identified in the UMD-LSDB. The variant was identified in dbSNP (ID: rs201132087) as "With Likely benign allele", and in ClinVar (classified as benign by Invitae and one clinical laboratory; as likely benign by Ambry Genetics and Color).The variant was identified in control databases in 47 of 263666 chromosomes at a frequency of 0.0002 increasing the likelihood this could be a low frequency benign variant (Genome Aggregation Database Feb 27, 2017). The variant was observed in the East Asian population in 47 of 18376 chromosomes (freq: 0.003), while the variant was not observed in the African, Other, Latino, European, Ashkenazi Jewish, Finnish, and South Asian populations. The p.Ala34= variant is not expected to have clinical significance because it does not result in a change of amino acid and is not located in a known consensus splice site. In addition, in silico or computational prediction software programs (SpliceSiteFinder, MaxEntScan, NNSPLICE, GeneSplicer) do not predict a difference in splicing. In summary, based on the above information the clinical significance of this variant cannot be determined with certainty at this time although we would lean towards a more benign role for this variant. This variant is classified as likely benign.